The following is an entry in ClinVar:

NM_000138.5(FBN1):c.7982A>G (p.Tyr2661Cys)

Gene: FBN1 (fibrillin 1; minus strand). Cytogenetic location: 15q21.1.
Variant type: single nucleotide variant.
Coding change: c.7982A>G on transcript NM_000138.5 (MANE Select); coding-DNA position 7982, A replaced by G.
Protein change: p.Tyr2661Cys; replaces tyrosine 2661 with cysteine.
Molecular consequence: missense variant.
Genome position (GRCh38, 1-based): chr15:48,415,605, T>C on the plus strand (A>G on the coding strand, the complement: FBN1 is on the minus strand). VCF-style: chr15-48415605-T-C. GRCh37 (hg19) VCF-style: chr15-48707802-T-C.
Other names: short protein forms Y2661C.
Identifiers: ClinVar variation 549448 (VCV000549448.18), dbSNP rs112196241, ClinGen allele CA269519048.

ClinVar aggregate classification (germline): Pathogenic/Likely pathogenic. Review status: criteria provided, multiple submitters, no conflicts (2 of 4 stars). 3 submissions from 3 submitters: Pathogenic (1); Likely pathogenic (1). 1 of the submissions does not count toward it. Last evaluated 2024-07-22.

Conditions:
Familial thoracic aortic aneurysm and aortic dissection (TAAD). Also called: Thoracic aortic aneurysms and dissections. Identifiers: Orphanet 91387, MedGen C4707243, MONDO:0019625.
Marfan syndrome (MFS). Also called: Marfan syndrome type 1; Marfan syndrome, classic; Marfan's syndrome; FBN1-Related Marfan Syndrome; MARFAN SYNDROME, TYPE I. Identifiers: Orphanet 284963, Orphanet 558, MedGen C0024796, MONDO:0007947, OMIM 154700.

Submissions (3):

Labcorp Genetics (formerly Invitae), Labcorp
Classification: Pathogenic for Marfan syndrome; Familial thoracic aortic aneurysm and aortic dissection. Last evaluated: 2024-07-22. Review status: criteria provided, single submitter. Criteria: Invitae Variant Classification Sherloc (09022015). Collection method: clinical testing. Allele origin: germline.
Comment: This sequence change replaces tyrosine, which is neutral and polar, with cysteine, which is neutral and slightly polar, at codon 2661 of the FBN1 protein (p.Tyr2661Cys). This variant is not present in population databases (gnomAD no frequency). This missense change has been observed in individual(s) with clinical features of Marfan syndrome and thoracic aortic aneurysm and dissection (TAAD) (PMID: 19293843, 29848614; Invitae). In at least one individual the variant was observed to be de novo. ClinVar contains an entry for this variant (Variation ID: 549448). Advanced modeling of protein sequence and biophysical properties (such as structural, functional, and spatial information, amino acid conservation, physicochemical variation, residue mobility, and thermodynamic stability) performed at Invitae indicates that this missense variant is expected to disrupt FBN1 protein function with a positive predictive value of 95%. For these reasons, this variant has been classified as Pathogenic.

ARUP Laboratories, Molecular Genetics and Genomics, ARUP Laboratories
Classification: Likely pathogenic. Last evaluated: 2021-09-28. Review status: criteria provided, single submitter. Criteria: ARUP Molecular Germline Variant Investigation Process 2021. Collection method: clinical testing. Allele origin: germline.
Comment: The FBN1 c.7982A>G; p.Tyr2661Cys variant (rs112196241) is reported in the literature in two individuals diagnosed with Marfan syndrome, including one incidence of the variant occurring de novo (Stheneur 2009, Takeda 2018). The variant is also reported in the ClinVar database (Variation ID: 549448) and is absent from general population databases (Exome Variant Server, Genome Aggregation Database), indicating it is not a common polymorphism. The tyrosine at codon 2661 is moderately conserved but computational analyses predict that this variant is deleterious (REVEL: 0.736). This variant creates a cysteine residue in one of the calcium binding EGF-like domains of fibrillin-1 (Wu 1995). Each EGF-like domain contains six highly-conserved cysteines and the disulfide bridges formed between these residues are essential for protein folding; creation of a novel cysteine may interfere with proper disulfide bridge formation, disrupting protein structure. Accordingly, the revised Ghent nosology for Marfan syndrome lists creation of a cysteine residue as one of the criteria for classification of a variant as pathogenic (Loeys 2010). Based on available information, this variant is classified as likely pathogenic. References: Loeys BL et al. The revised Ghent nosology for the Marfan syndrome. J Med Genet. 2010 Jul;47(7):476-85. PMID: 20591885. Stheneur C et al. Identification of the minimal combination of clinical features in probands for efficient mutation detection in the FBN1 gene. Eur J Hum Genet. 2009 Sep;17(9):1121-8. PMID: 19293843. Takeda N et al. Impact of Pathogenic FBN1 Variant Types on the Progression of Aortic Disease in Patients With Marfan Syndrome. Circ Genom Precis Med. 2018 Jun;11(6):e002058. PMID: 29848614. Wu YS et al. Fibrillin domain folding and calcium binding: significance to Marfan syndrome. Chem Biol. 1995 Feb;2(2):91-7. PMID: 9383409.

Center for Medical Genetics Ghent, University of Ghent
Classification: Likely pathogenic for Marfan syndrome. Last evaluated: 2017-11-07. Review status: no assertion criteria provided. Collection method: clinical testing. Allele origin: germline. Affected: yes. Not counted in ClinVar's aggregate classification.

Literature cited by the submitters: PubMed 19293843 (cited by Labcorp Genetics (formerly Invitae), Labcorp); PubMed 29848614 (cited by Labcorp Genetics (formerly Invitae), Labcorp).